The following is an entry in ClinVar:

NM_030632.3(ASXL3):c.3682C>T (p.Pro1228Ser)

Gene: ASXL3 (ASXL transcriptional regulator 3; plus strand). Cytogenetic location: 18q12.1.
Variant type: single nucleotide variant.
Coding change: c.3682C>T on transcript NM_030632.3 (MANE Select); coding-DNA position 3682, C replaced by T.
Protein change: p.Pro1228Ser; replaces proline 1228 with serine.
Molecular consequence: missense variant.
Genome position (GRCh38, 1-based): chr18:33,743,530, C>T. VCF-style: chr18-33743530-C-T. GRCh37 (hg19) VCF-style: chr18-31323494-C-T.
Other names: short protein forms P1228S.
Identifiers: ClinVar variation 1280376 (VCV001280376.4), dbSNP rs749701695, ClinGen allele CA8934111.

ClinVar aggregate classification (germline): Benign/Likely benign. Review status: criteria provided, multiple submitters, no conflicts (2 of 4 stars). 3 submissions from 3 submitters: Benign (1); Likely benign (2). Last evaluated 2026-06-01.

Conditions:
Inborn genetic diseases. Identifiers: MedGen C0950123, MeSH D030342.

Allele frequency attached by ClinVar (database versions not stated): gnomAD 0.00010 and 0.00011; ExAC 0.00017; gnomAD exomes 0.00018 and 0.00004; TOPMed 0.00020.
gnomAD v4.1: 67 of 1,613,092 alleles (0.0042%); highest among the groups gnomAD compares: Admixed American, 0.11%; no homozygotes.

Submissions (3):

CeGaT Center for Human Genetics Tuebingen
Classification: Likely benign. Last evaluated: 2026-06-01. Review status: criteria provided, single submitter. Criteria: CeGaT Center For Human Genetics Tuebingen Variant Classification Criteria Version 2. Collection method: clinical testing. Allele origin: germline. Affected: yes. Observed: 2 variant alleles.
Comment: ASXL3: BP4, BS1

Ambry Genetics
Classification: Likely benign for Inborn genetic diseases. Last evaluated: 2024-11-24. Review status: criteria provided, single submitter. Criteria: Ambry Variant Classification Scheme 2023. Collection method: clinical testing. Allele origin: germline.

GeneDx
Classification: Benign. Last evaluated: 2020-07-09. Review status: criteria provided, single submitter. Criteria: GeneDx Variant Classification Process June 2021. Collection method: clinical testing. Allele origin: germline. Affected: yes.